The following is an entry in ClinVar:

NM_001378452.1(ITPR1):c.7852A>C (p.Thr2618Pro)

Genes: ITPR1 (inositol 1,4,5-trisphosphate receptor type 1; plus strand), LOC126806590 (MED14-independent group 3 enhancer GRCh37_chr3:4855759-4856958; plus strand). Cytogenetic location: 3p26.1.
Variant type: single nucleotide variant.
Coding change: c.7852A>C on transcript NM_001378452.1 (MANE Select); coding-DNA position 7852, A replaced by C.
Protein change: p.Thr2618Pro; replaces threonine 2618 with proline.
Molecular consequence: missense variant.
Genome position (GRCh38, 1-based): chr3:4,815,203, A>C. VCF-style: chr3-4815203-A-C. GRCh37 (hg19) VCF-style: chr3-4856887-A-C.
Other names: c.7708A>C, p.Thr2570Pro (NM_001099952.4); c.7807A>C, p.Thr2603Pro (NM_001168272.2); c.7663A>C, p.Thr2555Pro (NM_002222.7); short protein forms T2555P, T2570P, T2603P, T2618P.
Identifiers: ClinVar variation 3366992 (VCV003366992.1).

ClinVar aggregate classification (germline): Uncertain significance (1 of 4 stars; one submission).

Conditions:
Spinocerebellar ataxia type 15/16 (SCA15). Also called: Spinocerebellar Ataxia Type 15. Identifiers: Orphanet 98769, MedGen C1847725, MONDO:0011694, OMIM 606658.

Submission:

Neuberg Centre For Genomic Medicine, NCGM
Classification: Uncertain significance for Spinocerebellar ataxia type 15/16. Last evaluated: 2023-05-20. Review status: criteria provided, single submitter. Criteria: ACMG Guidelines, 2015. Collection method: clinical testing. Allele origin: germline. Inheritance: Autosomal dominant inheritance. Affected: yes.
Comment: The observed missense variant c.7852A>C(p.Thr2618Pro) in ITPRI gene has not been reported previously as a pathogenic variant nor as a benign variant, to our knowledge. The c.7852A>C variant is absent in gnomAD Exomes. The amino acid Threonine at position 2618 is changed to a Proline changing protein sequence and it might alter its composition and physico-chemical properties. Multiple lines of computational evidence (Polyphen, SIFT and Mutation Taster) predict a damaging effect on protein structure and function for this variant.The reference amino acid in ITPR1 is predicted as conserved by GERP++ and PhyloP across 100 vertebrates. For these reasons, this variant has been classified as Uncertain Significance.